The following is an entry in ClinVar:

NM_006231.4(POLE):c.1118A>T (p.Glu373Val)

Gene: POLE (DNA polymerase epsilon, catalytic subunit; minus strand). Cytogenetic location: 12q24.33.
Variant type: single nucleotide variant.
Coding change: c.1118A>T on transcript NM_006231.4 (MANE Select); coding-DNA position 1118, A replaced by T.
Protein change: p.Glu373Val; replaces glutamic acid 373 with valine.
Molecular consequence: missense variant.
Genome position (GRCh38, 1-based): chr12:132,675,506, T>A on the plus strand (A>T on the coding strand, the complement: POLE is on the minus strand). VCF-style: chr12-132675506-T-A. GRCh37 (hg19) VCF-style: chr12-133252092-T-A.
Other names: short protein forms E373V.
Identifiers: ClinVar variation 484574 (VCV000484574.6), dbSNP rs1555229138, ClinGen allele CA387361177.

ClinVar aggregate classification (germline): Uncertain significance (1 of 4 stars; one submission).

Conditions:
Hereditary cancer-predisposing syndrome. Also called: Tumor predisposition; Hereditary Cancer Syndrome; Neoplastic Syndromes, Hereditary; Hereditary neoplastic syndrome. Identifiers: Orphanet 140162, MedGen C0027672, MeSH D009386, MONDO:0015356.

Submission:

Ambry Genetics
Classification: Uncertain significance for Hereditary cancer-predisposing syndrome. Last evaluated: 2026-01-12. Review status: criteria provided, single submitter. Criteria: Ambry Variant Classification Scheme 2023. Collection method: clinical testing. Allele origin: germline.
Comment: The p.E373V variant (also known as c.1118A>T), located in coding exon 12 of the POLE gene, results from an A to T substitution at nucleotide position 1118. The glutamic acid at codon 373 is replaced by valine, an amino acid with dissimilar properties. This amino acid position is highly conserved in available vertebrate species. In addition, the in silico prediction for this alteration is inconclusive. Based on the available evidence, the clinical significance of this variant remains unclear.